The following is an entry in ClinVar:

ClinVar aggregate classification (germline): Conflicting classifications of pathogenicity. Review status: criteria provided, conflicting classifications (1 of 4 stars). 5 submissions from 5 submitters: Uncertain significance (2); Likely benign (3). Last evaluated 2025-11-24.

Conditions:
FG syndrome (FGS). Identifiers: MedGen C0220769, MONDO:0002010.
Familial thoracic aortic aneurysm and aortic dissection (TAAD). Also called: Thoracic aortic aneurysms and dissections. Identifiers: Orphanet 91387, MedGen C4707243, MONDO:0019625.

Submissions (5):

Labcorp Genetics (formerly Invitae), Labcorp
Classification: Uncertain significance for FG syndrome. Last evaluated: 2025-11-24. Review status: criteria provided, single submitter. Criteria: Invitae Variant Classification Sherloc (09022015). Collection method: clinical testing. Allele origin: germline.
Comment: This variant, c.6303_6308dup, results in the insertion of 2 amino acid(s) of the MED12 protein (p.Gln2114_Gln2115dup), but otherwise preserves the integrity of the reading frame. The frequency data for this variant in the population databases is considered unreliable, as metrics indicate poor data quality at this position in the gnomAD database. This variant has not been reported in the literature in individuals affected with MED12-related conditions. ClinVar contains an entry for this variant (Variation ID: 197488). Experimental studies and prediction algorithms are not available or were not evaluated, and the functional significance of this variant is currently unknown. In summary, the available evidence is currently insufficient to determine the role of this variant in disease. Therefore, it has been classified as a Variant of Uncertain Significance.

Blueprint Genetics
Classification: Likely benign. Last evaluated: 2024-07-25. Review status: criteria provided, single submitter. Criteria: ACMG Guidelines, 2015. Collection method: clinical testing. Allele origin: germline.

Ambry Genetics
Classification: Likely benign for Familial thoracic aortic aneurysm and aortic dissection. Last evaluated: 2021-07-27. Review status: criteria provided, single submitter. Criteria: Ambry Variant Classification Scheme 2023. Collection method: clinical testing. Allele origin: germline.

GeneDx
Classification: Likely benign. Last evaluated: 2020-08-05. Review status: criteria provided, single submitter. Criteria: GeneDx Variant Classification Process June 2021. Collection method: clinical testing. Allele origin: germline. Affected: yes.

Eurofins Ntd Llc (ga)
Classification: Uncertain significance. Last evaluated: 2016-08-15. Review status: criteria provided, single submitter. Criteria: EGL Classification Definitions. Collection method: clinical testing. Allele origin: germline. Observed: 2 variant alleles, 2 hemizygotes.

NM_005120.3(MED12):c.6288GCA[9] (p.Gln2114_Gln2115dup)

Gene: MED12 (mediator complex subunit 12; plus strand). Cytogenetic location: Xq13.1.
Variant type: Microsatellite.
Coding change: c.6288GCA[9] on transcript NM_005120.3 (MANE Select); nine copies in a row of the 3-base unit GCA starting at c.6288; the reference has seven copies in a row; two copies, 6 bases duplicated; also written c.6303_6308dup.
Protein change: p.Gln2114_Gln2115dup.
Molecular consequence: inframe insertion.
Genome position (GRCh38, 1-based): chrX:71,141,265-71,141,270, GCAGCA duplicated; duplicating any 6 consecutive bases within chrX:71,141,248-71,141,270 gives the same sequence; the position shown is the placement nearest the transcript's 3' end. VCF-style (leftmost placement, unchanged base first): chrX-71141247-A-ACAGCAG. GRCh37 (hg19) VCF-style: chrX-70361097-A-ACAGCAG.
Other names: c.6303_6308dup (NM_005120.2).
Identifiers: ClinVar variation 197488 (VCV000197488.22), dbSNP rs766775649, ClinGen allele CA245668.
Genomic context (GRCh38, chrX:71,141,247, plus strand): 5'-TCCTCCCTCTGCTCCTTCTGAAGTATCTTTTGTGTTCTTATAGCAGCAGCAGCAACAGCA[A>ACAGCAG]CAGCAGCAGCAGCAGCAGCAGCAACAGCAACAGCAGCAGCAGCAACAGCAACAACAGCAA-3'